The following is an entry in ClinVar:

NM_002474.3(MYH11):c.2195C>T (p.Ala732Val)

Gene: MYH11 (myosin heavy chain 11; minus strand). Cytogenetic location: 16p13.11.
Variant type: single nucleotide variant.
Coding change: c.2195C>T on transcript NM_002474.3 (MANE Select); coding-DNA position 2195, C replaced by T.
Protein change: p.Ala732Val; replaces alanine 732 with valine.
Molecular consequence: missense variant.
Genome position (GRCh38, 1-based): chr16:15,747,929, G>A on the plus strand (C>T on the coding strand, the complement: MYH11 is on the minus strand). VCF-style: chr16-15747929-G-A. GRCh37 (hg19) VCF-style: chr16-15841786-G-A.
Other names: c.2216C>T, p.Ala739Val (NM_001040113.2, NM_001040114.2); c.2195C>T, p.Ala732Val (NM_022844.3); c.2195C>T (NM_002474.2); short protein forms A739V, A732V.
Identifiers: ClinVar variation 919638 (VCV000919638.5), dbSNP rs764831521, ClinGen allele CA7922354.

ClinVar aggregate classification (germline): Uncertain significance. Review status: criteria provided, multiple submitters, no conflicts (2 of 4 stars). 2 submissions from 2 submitters: Uncertain significance (2). Last evaluated 2024-08-13.

Conditions:
Familial thoracic aortic aneurysm and aortic dissection (TAAD). Also called: Thoracic aortic aneurysms and dissections. Identifiers: Orphanet 91387, MedGen C4707243, MONDO:0019625.

Allele frequency attached by ClinVar (database versions not stated): gnomAD 0.00001; ExAC 0.00002; gnomAD exomes 0.00002; TOPMed 0.00002.
gnomAD v4.1: 12 of 1,614,074 alleles (0.00074%); highest among the groups gnomAD compares: East Asian, 0.0022%; no homozygotes.

Submissions (2):

Color Diagnostics, LLC DBA Color Health
Classification: Uncertain significance for Familial thoracic aortic aneurysm and aortic dissection. Last evaluated: 2024-08-13. Review status: criteria provided, single submitter. Criteria: ACMG Guidelines, 2015. Collection method: clinical testing. Allele origin: germline.
Comment: This missense variant replaces alanine with valine at codon 739 of the MYH11 protein. Computational prediction tools indicate that this variant has a neutral impact on protein structure and function. To our knowledge, functional studies have not been reported for this variant. This variant has been reported in an individual suspected to be affected with aortopathy (PMID: 25944730). This variant has been identified in 4/251464 chromosomes in the general population by the Genome Aggregation Database (gnomAD). The available evidence is insufficient to determine the role of this variant in disease conclusively. Therefore, this variant is classified as a Variant of Uncertain Significance.

Ambry Genetics
Classification: Uncertain significance for Familial thoracic aortic aneurysm and aortic dissection. Last evaluated: 2024-02-12. Review status: criteria provided, single submitter. Criteria: Ambry Variant Classification Scheme 2023. Collection method: clinical testing. Allele origin: germline.
Comment: The p.A732V variant (also known as c.2195C>T), located in coding exon 17 of the MYH11 gene, results from a C to T substitution at nucleotide position 2195. The alanine at codon 732 is replaced by valine, an amino acid with similar properties. This alteration has been reported in a thoracic aortic aneurysm and dissection (TAAD) genetic testing cohort (Wooderchak-Donahue W et al. Am J Med Genet A, 2015 Aug;167A:1747-57). This amino acid position is not well conserved in available vertebrate species. In addition, the in silico prediction for this alteration is inconclusive. Based on the available evidence, the clinical significance of this alteration remains unclear.

Literature cited by the submitters: PubMed 25944730 (cited by Color Diagnostics, LLC DBA Color Health and Ambry Genetics).